The following is an entry in ClinVar:

ClinVar aggregate classification (germline): Uncertain significance (1 of 4 stars; one submission).

Submission:

GeneDx
Classification: Uncertain significance. Last evaluated: 2024-11-05. Review status: criteria provided, single submitter. Criteria: GeneDx Variant Classification Process June 2021. Collection method: clinical testing. Allele origin: germline. Affected: yes.
Comment: Not observed at significant frequency in large population cohorts (gnomAD); In silico analysis supports that this missense variant has a deleterious effect on protein structure/function; Has not been previously published as pathogenic or benign to our knowledge

NM_005045.4(RELN):c.2032T>C (p.Cys678Arg)

Gene: RELN (reelin; minus strand). Cytogenetic location: 7q22.1.
Variant type: single nucleotide variant.
Coding change: c.2032T>C on transcript NM_005045.4 (MANE Select); coding-DNA position 2032, T replaced by C.
Protein change: p.Cys678Arg; replaces cysteine 678 with arginine.
Molecular consequence: missense variant.
Genome position (GRCh38, 1-based): chr7:103,640,580, A>G on the plus strand (T>C on the coding strand, the complement: RELN is on the minus strand). VCF-style: chr7-103640580-A-G. GRCh37 (hg19) VCF-style: chr7-103281027-A-G.
Other names: c.2032T>C, p.Cys678Arg (NM_173054.3); short protein forms C678R.
Identifiers: ClinVar variation 3897107 (VCV003897107.1).